The following is an entry in ClinVar:

ClinVar aggregate classification (germline): Uncertain significance (1 of 4 stars; one submission).

Submission:

Labcorp Genetics (formerly Invitae), Labcorp
Classification: Uncertain significance. Last evaluated: 2025-01-31. Review status: criteria provided, single submitter. Criteria: Invitae Variant Classification Sherloc (09022015). Collection method: clinical testing. Allele origin: germline.
Comment: This sequence change replaces threonine, which is neutral and polar, with isoleucine, which is neutral and non-polar, at codon 228 of the CA4 protein (p.Thr228Ile). This variant is not present in population databases (gnomAD no frequency). This variant has not been reported in the literature in individuals affected with CA4-related conditions. Invitae Evidence Modeling of protein sequence and biophysical properties (such as structural, functional, and spatial information, amino acid conservation, physicochemical variation, residue mobility, and thermodynamic stability) indicates that this missense variant is not expected to disrupt CA4 protein function with a negative predictive value of 80%. In summary, the available evidence is currently insufficient to determine the role of this variant in disease. Therefore, it has been classified as a Variant of Uncertain Significance.

NM_000717.5(CA4):c.683C>T (p.Thr228Ile)

Gene: CA4 (carbonic anhydrase 4; plus strand). Cytogenetic location: 17q23.1.
Variant type: single nucleotide variant.
Coding change: c.683C>T on transcript NM_000717.5 (MANE Select); coding-DNA position 683, C replaced by T.
Protein change: p.Thr228Ile; replaces threonine 228 with isoleucine.
Molecular consequence: missense variant. On other transcripts: non-coding transcript variant (1).
Genome position (GRCh38, 1-based): chr17:60,158,385, C>T. VCF-style: chr17-60158385-C-T. GRCh37 (hg19) VCF-style: chr17-58235746-C-T.
Other names: short protein forms T228I.
Identifiers: ClinVar variation 3665709 (VCV003665709.2).